The following is an entry in ClinVar:

ClinVar aggregate classification (germline): Uncertain significance. Review status: criteria provided, multiple submitters, no conflicts (2 of 4 stars). 2 submissions from 2 submitters: Uncertain significance (2). Last evaluated 2024-01-03.

Conditions:
Hereditary pheochromocytoma and paraganglioma. Also called: Hereditary pheochromocytoma-paraganglioma; Hereditary Paraganglioma-Pheochromocytoma Syndromes; Hereditary paragangliomas and pheochromocytomas. Identifiers: Orphanet 29072, MedGen C4274332, MONDO:0017366.
Pheochromocytoma/paraganglioma syndrome 4. Also called: CAROTID BODY TUMORS AND MULTIPLE EXTRAADRENAL PHEOCHROMOCYTOMAS; SDHB-Related Hereditary Paraganglioma-Pheochromocytoma Syndrome (Paragangliomas 4); SDHB-Related Hereditary Paraganglioma-Pheochromocytoma Syndrome; PARAGANGLIOMA, FAMILIAL MALIGNANT; PARAGANGLIOMAS, HEREDITARY EXTRAADRENAL; PHEOCHROMOCYTOMA, FAMILIAL EXTRAADRENAL. Identifiers: Orphanet 29072, MedGen C1861848, MONDO:0007273, OMIM 115310.
Gastrointestinal stromal tumor. Also called: Gastrointestinal stromal tumor, somatic; Gastrointestinal stroma tumor. Identifiers: Orphanet 44890, MedGen C0238198, MeSH D046152, MONDO:0011719, OMIM 606764, HP:0100723.
Pheochromocytoma. Also called: MAX-Related Hereditary Paraganglioma-Pheochromocytoma Syndrome. Identifiers: Orphanet 29072, MedGen C0031511, MONDO:0008233, OMIM 171300, HP:0002666.

gnomAD v4.1: 1 of 1,612,304 alleles (0.000062%); highest among the groups gnomAD compares: Non-Finnish European, 0.000085%; no homozygotes.

Submissions (2):

All of Us Research Program, National Institutes of Health
Classification: Uncertain significance for Hereditary pheochromocytoma and paraganglioma. Last evaluated: 2024-01-03. Review status: criteria provided, single submitter. Criteria: ACMG Guidelines, 2015. Collection method: clinical testing. Allele origin: germline. Inheritance: Autosomal dominant inheritance. Observed: 1 variant allele, 1 heterozygote.
Comment: This missense variant replaces glutamine with histidine at codon 24 of the SDHB protein. Computational prediction suggests that this variant may not impact protein structure and function (internally defined REVEL score threshold <= 0.5, PMID: 27666373). To our knowledge, functional studies have not been reported for this variant. This variant has not been reported in individuals affected with SDHB-related disorders in the literature. This variant has not been identified in the general population by the Genome Aggregation Database (gnomAD). The available evidence is insufficient to determine the role of this variant in disease conclusively. Therefore, this variant is classified as a Variant of Uncertain Significance.

This study involves interpretation of variants in research participants for the purpose of population health screening. Participant phenotype was not available at the time of variant classification. Additional details can be found in publication PMID: 35346344, PMCID: PMC8962531

Labcorp Genetics (formerly Invitae), Labcorp
Classification: Uncertain significance for Gastrointestinal stromal tumor; Pheochromocytoma/paraganglioma syndrome 4; Pheochromocytoma. Last evaluated: 2019-12-26. Review status: criteria provided, single submitter. Criteria: Invitae Variant Classification Sherloc (09022015). Collection method: clinical testing. Allele origin: germline.
Comment: This variant is not present in population databases (ExAC no frequency). This sequence change replaces glutamine with histidine at codon 24 of the SDHB protein (p.Gln24His). The glutamine residue is moderately conserved and there is a small physicochemical difference between glutamine and histidine. This variant also falls at the last nucleotide of exon 1 of the SDHB coding sequence, which is part of the consensus splice site for this exon. This variant has not been reported in the literature in individuals with SDHB-related conditions. In summary, the available evidence is currently insufficient to determine the role of this variant in disease. Therefore, it has been classified as a Variant of Uncertain Significance. Nucleotide substitutions within the consensus splice site are a relatively common cause of aberrant splicing (PMID: 17576681, 9536098). Algorithms developed to predict the effect of missense changes on protein structure and function (SIFT, PolyPhen-2, Align-GVGD) all suggest that this variant is likely to be tolerated, but these predictions have not been confirmed by published functional studies and their clinical significance is uncertain.

Literature cited by the submitters: PubMed 17576681 (cited by Labcorp Genetics (formerly Invitae), Labcorp); PubMed 9536098 (cited by Labcorp Genetics (formerly Invitae), Labcorp).

NM_003000.3(SDHB):c.72G>C (p.Gln24His)

Genes: SDHB (succinate dehydrogenase complex iron sulfur subunit B; minus strand), LOC129929542 (ATAC-STARR-seq lymphoblastoid active region 277; plus strand). Cytogenetic location: 1p36.13.
Variant type: single nucleotide variant.
Coding change: c.72G>C on transcript NM_003000.3 (MANE Select); coding-DNA position 72, G replaced by C.
Protein change: p.Gln24His; replaces glutamine 24 with histidine.
Molecular consequence: missense variant.
Genome position (GRCh38, 1-based): chr1:17,053,948, C>G on the plus strand (G>C on the coding strand, the complement: SDHB is on the minus strand). VCF-style: chr1-17053948-C-G. GRCh37 (hg19) VCF-style: chr1-17380443-C-G.
Other names: short protein forms Q24H.
Identifiers: ClinVar variation 849934 (VCV000849934.17), dbSNP rs1553179312, ClinGen allele CA338230583.